The following is an entry in ClinVar:

NM_000262.3(NAGA):c.1066G>A (p.Gly356Ser)

Gene: NAGA (alpha-N-acetylgalactosaminidase; minus strand). Cytogenetic location: 22q13.2.
Variant type: single nucleotide variant.
Coding change: c.1066G>A on transcript NM_000262.3 (MANE Select); coding-DNA position 1066, G replaced by A.
Protein change: p.Gly356Ser; replaces glycine 356 with serine.
Molecular consequence: missense variant.
Genome position (GRCh38, 1-based): chr22:42,060,959, C>T on the plus strand (G>A on the coding strand, the complement: NAGA is on the minus strand). VCF-style: chr22-42060959-C-T. GRCh37 (hg19) VCF-style: chr22-42456963-C-T.
Other names: c.1066G>A, p.Gly356Ser (NM_001362848.1, NM_001362850.1); short protein forms G356S.
Identifiers: ClinVar variation 1942758 (VCV001942758.2), dbSNP rs773407787, ClinGen allele CA10263614.

ClinVar aggregate classification (germline): Uncertain significance (1 of 4 stars; one submission).

Conditions:
Alpha-N-acetylgalactosaminidase deficiency type 1. Also called: NAGA DEFICIENCY, TYPE I; NEUROAXONAL DYSTROPHY, SCHINDLER TYPE; SCHINDLER DISEASE, TYPE I; ALPHA-N-ACETYLGALACTOSAMINIDASE DEFICIENCY, TYPE I. Identifiers: Orphanet 3137, Orphanet 79279, Orphanet 79281, MedGen C1836544, MONDO:0012221, OMIM 609241.

Allele frequency attached by ClinVar (database versions not stated): gnomAD 0.00001; gnomAD exomes 0.00001; TOPMed 0.00001; ExAC 0.00002.
gnomAD v4.1: 12 of 1,614,074 alleles (0.00074%); highest among the groups gnomAD compares: African/African-American, 0.0027%; no homozygotes.

Submission:

Labcorp Genetics (formerly Invitae), Labcorp
Classification: Uncertain significance for Alpha-N-acetylgalactosaminidase deficiency type 1. Last evaluated: 2022-02-18. Review status: criteria provided, single submitter. Criteria: Invitae Variant Classification Sherloc (09022015). Collection method: clinical testing. Allele origin: germline.
Comment: This sequence change replaces glycine, which is neutral and non-polar, with serine, which is neutral and polar, at codon 356 of the NAGA protein (p.Gly356Ser). This variant is present in population databases (rs773407787, gnomAD 0.002%). This variant has not been reported in the literature in individuals affected with NAGA-related conditions. Algorithms developed to predict the effect of missense changes on protein structure and function output the following: SIFT: "Tolerated"; PolyPhen-2: "Benign"; Align-GVGD: "Class C0". The serine amino acid residue is found in multiple mammalian species, which suggests that this missense change does not adversely affect protein function. In summary, the available evidence is currently insufficient to determine the role of this variant in disease. Therefore, it has been classified as a Variant of Uncertain Significance.